The following is an entry in ClinVar:

ClinVar aggregate classification (germline): Uncertain significance. Review status: criteria provided, multiple submitters, no conflicts (2 of 4 stars). 2 submissions from 2 submitters: Uncertain significance (2). Last evaluated 2025-09-24.

Conditions:
Progressive sclerosing poliodystrophy (MTDPS4A). Also called: Mitochondrial DNA Depletion Syndrome 4A; ALPERS DIFFUSE DEGENERATION OF CEREBRAL GRAY MATTER WITH HEPATIC CIRRHOSIS; Alpers Syndrome; ALPERS PROGRESSIVE INFANTILE POLIODYSTROPHY; Alpers-Huttenlocher Syndrome; NEURONAL DEGENERATION OF CHILDHOOD WITH LIVER DISEASE, PROGRESSIVE. Identifiers: Orphanet 726, MedGen C0205710, MONDO:0008758, OMIM 203700.

Allele frequency attached by ClinVar (database versions not stated): gnomAD 0.00001; TOPMed 0.00002; gnomAD exomes 0.00003.
gnomAD v4.1: 10 of 1,544,600 alleles (0.00065%); highest among the groups gnomAD compares: Admixed American, 0.0097%; no homozygotes.

Submissions (2):

Labcorp Genetics (formerly Invitae), Labcorp
Classification: Uncertain significance for Progressive sclerosing poliodystrophy. Last evaluated: 2025-09-24. Review status: criteria provided, single submitter. Criteria: Invitae Variant Classification Sherloc (09022015). Collection method: clinical testing. Allele origin: germline.
Comment: This sequence change replaces glycine, which is neutral and non-polar, with arginine, which is basic and polar, at codon 23 of the POLG protein (p.Gly23Arg). This variant is present in population databases (no rsID available, gnomAD 0.02%). This variant has not been reported in the literature in individuals affected with POLG-related conditions. ClinVar contains an entry for this variant (Variation ID: 1515186). Invitae Evidence Modeling of protein sequence and biophysical properties (such as structural, functional, and spatial information, amino acid conservation, physicochemical variation, residue mobility, and thermodynamic stability) indicates that this missense variant is not expected to disrupt POLG protein function with a negative predictive value of 95%. In summary, the available evidence is currently insufficient to determine the role of this variant in disease. Therefore, it has been classified as a Variant of Uncertain Significance.

CeGaT Center for Human Genetics Tuebingen
Classification: Uncertain significance. Last evaluated: 2025-06-01. Review status: criteria provided, single submitter. Criteria: CeGaT Center For Human Genetics Tuebingen Variant Classification Criteria Version 2. Collection method: clinical testing. Allele origin: germline. Affected: yes. Observed: 1 variant allele.

NM_002693.3(POLG):c.67G>A (p.Gly23Arg)

Genes: POLG (DNA polymerase gamma, catalytic subunit; minus strand), POLGARF (POLG alternative reading frame; minus strand). Cytogenetic location: 15q26.1.
Variant type: single nucleotide variant.
Coding change: c.67G>A on transcript NM_002693.3 (MANE Select); coding-DNA position 67, G replaced by A.
Protein change: p.Gly23Arg; replaces glycine 23 with arginine.
Molecular consequence: missense variant.
Genome position (GRCh38, 1-based): chr15:89,333,688, C>T on the plus strand (G>A on the coding strand, the complement: POLG is on the minus strand). VCF-style: chr15-89333688-C-T. GRCh37 (hg19) VCF-style: chr15-89876919-C-T.
Other names: c.67G>A, p.Gly23Arg (NM_001126131.2); short protein forms G23R.
Identifiers: ClinVar variation 1515186 (VCV001515186.16), dbSNP rs1422899388, ClinGen allele CA393774995.